The following is an entry in ClinVar:

NM_030962.4(SBF2):c.4733A>G (p.Lys1578Arg)

Genes: SBF2-AS1 (SBF2 antisense RNA 1; plus strand), SBF2 (SET binding factor 2; minus strand), LOC105369149 (uncharacterized LOC105369149; plus strand). Cytogenetic location: 11p15.4.
Variant type: single nucleotide variant.
Coding change: c.4733A>G on transcript NM_030962.4 (MANE Select); coding-DNA position 4733, A replaced by G.
Protein change: p.Lys1578Arg; replaces lysine 1578 with arginine.
Molecular consequence: missense variant.
Genome position (GRCh38, 1-based): chr11:9,789,308, T>C on the plus strand (A>G on the coding strand, the complement: SBF2 is on the minus strand). VCF-style: chr11-9789308-T-C. GRCh37 (hg19) VCF-style: chr11-9810855-T-C.
Other names: c.4829A>G, p.Lys1610Arg (NM_001386339.1); c.4604A>G, p.Lys1535Arg (NM_001386342.1); short protein forms K1578R, K1535R, K1610R.
Identifiers: ClinVar variation 306580 (VCV000306580.18), dbSNP rs775360425, ClinGen allele CA5880900.
Genomic context (GRCh38, chr11:9,789,308, plus strand): 5'-ATCATCCAGTCATAGGAAGGGCCTGTGGACAGGGTCTCTTCTATGTAGTAATCCCACTTC[T>C]TGAGGCTAGAGACGTTTACATTGGGCTTTAGAGCCTGTTAAAGAAAACAGAAATATAGTT-3'
Protein context (NP_112224.1, residues 1568-1588): LKPNVNVSSL[Lys1578Arg]KWDYYIEETL

ClinVar aggregate classification (germline): Uncertain significance. Review status: criteria provided, multiple submitters, no conflicts (2 of 4 stars). 4 submissions from 4 submitters: Uncertain significance (4). Last evaluated 2021-08-31.

Conditions:
Charcot-Marie-Tooth disease type 4. Also called: Charcot-Marie-Tooth disease, type IV; Charcot-Marie-Tooth, Type 4. Identifiers: Orphanet 64749, MedGen C4082197, MONDO:0018995.
Charcot-Marie-Tooth disease type 4B2. Also called: Charcot-Marie-Tooth Neuropathy Type 4B2; CHARCOT-MARIE-TOOTH DISEASE, WITH FOCALLY FOLDED MYELIN SHEATHS, AUTOSOMAL RECESSIVE, TYPE 4B2; CMT 4B2; CHARCOT-MARIE-TOOTH DISEASE, DEMYELINATING, TYPE 4B2. Identifiers: Orphanet 99956, MedGen C1858278, MONDO:0011475, OMIM 604563.
Inborn genetic diseases. Identifiers: MedGen C0950123, MeSH D030342.

Allele frequency attached by ClinVar (database versions not stated): gnomAD 0.00001; ExAC 0.00002; gnomAD exomes 0.00002 and 0.00003; TOPMed 0.00002.
gnomAD v4.1: 43 of 1,614,022 alleles (0.0027%); highest among the groups gnomAD compares: Non-Finnish European, 0.0033%; no homozygotes.

Submissions (5):

Labcorp Genetics (formerly Invitae), Labcorp
Classification: Uncertain significance for Charcot-Marie-Tooth disease type 4. Last evaluated: 2021-08-31. Review status: criteria provided, single submitter. Criteria: Invitae Variant Classification Sherloc (09022015). Collection method: clinical testing. Allele origin: germline.
Comment: This sequence change replaces lysine with arginine at codon 1578 of the SBF2 protein (p.Lys1578Arg). The lysine residue is moderately conserved and there is a small physicochemical difference between lysine and arginine. This variant is present in population databases (rs775360425, ExAC 0.004%). This variant has not been reported in the literature in individuals affected with SBF2-related conditions. ClinVar contains an entry for this variant (Variation ID: 306580). Algorithms developed to predict the effect of missense changes on protein structure and function (SIFT, PolyPhen-2, Align-GVGD) all suggest that this variant is likely to be tolerated. Algorithms developed to predict the effect of sequence changes on RNA splicing suggest that this variant may create or strengthen a splice site. In summary, the available evidence is currently insufficient to determine the role of this variant in disease. Therefore, it has been classified as a Variant of Uncertain Significance.

Ambry Genetics
Classification: Uncertain significance for Inborn genetic diseases. Last evaluated: 2021-08-02. Review status: criteria provided, single submitter. Criteria: Ambry Variant Classification Scheme 2023. Collection method: clinical testing. Allele origin: germline.
Comment: The p.K1578R variant (also known as c.4733A>G), located in coding exon 35 of the SBF2 gene, results from an A to G substitution at nucleotide position 4733. The lysine at codon 1578 is replaced by arginine, an amino acid with highly similar properties. This amino acid position is conserved. In addition, this alteration is predicted to be tolerated by in silico analysis. Since supporting evidence is limited at this time, the clinical significance of this alteration remains unclear.

Illumina Laboratory Services, Illumina
Classification: Uncertain significance for Charcot-Marie-Tooth disease type 4B2. Last evaluated: 2018-01-13. Review status: criteria provided, single submitter. Criteria: ICSL Variant Classification Criteria 13 December 2019. Collection method: clinical testing. Allele origin: germline.

Genetic Services Laboratory, University of Chicago
Classification: Uncertain significance. Last evaluated: 2016-04-21. Review status: criteria provided, single submitter. Criteria: ACMG Guidelines, 2015. Collection method: clinical testing. Allele origin: germline. Affected: no.

Dr. Peter K. Rogan Lab, Western University
No classification provided (evidence only). Condition: Clear cell carcinoma of kidney. Review status: no classification provided. Collection method: in vitro. Allele origin: not applicable. Functional consequence: retained intron. Not counted in ClinVar's aggregate classification.